The following is an entry in ClinVar:

ClinVar aggregate classification (germline): Uncertain significance (1 of 4 stars; one submission).

Conditions:
Familial adenomatous polyposis 1 (FAP1). Also called: POLYPOSIS, ADENOMATOUS INTESTINAL; FAMILIAL ADENOMATOUS POLYPOSIS 1, ATTENUATED. Identifiers: MedGen C2713442, MONDO:0021056, OMIM 175100. Disease mechanism: loss of function.

Submission:

Labcorp Genetics (formerly Invitae), Labcorp
Classification: Uncertain significance for Familial adenomatous polyposis 1. Last evaluated: 2020-10-01. Review status: criteria provided, single submitter. Criteria: Invitae Variant Classification Sherloc (09022015). Collection method: clinical testing. Allele origin: germline.
Comment: This sequence change replaces alanine with threonine at codon 2103 of the APC protein (p.Ala2103Thr). The alanine residue is highly conserved and there is a small physicochemical difference between alanine and threonine. This variant is not present in population databases (ExAC no frequency). This variant has not been reported in the literature in individuals with APC-related conditions. Algorithms developed to predict the effect of missense changes on protein structure and function are either unavailable or do not agree on the potential impact of this missense change (SIFT: "Tolerated"; PolyPhen-2: "Probably Damaging"; Align-GVGD: "Class C0"). In summary, the available evidence is currently insufficient to determine the role of this variant in disease. Therefore, it has been classified as a Variant of Uncertain Significance.

NM_000038.6(APC):c.6307G>A (p.Ala2103Thr)

Gene: APC (APC regulator of Wnt signaling pathway; plus strand). Cytogenetic location: 5q22.2.
Variant type: single nucleotide variant.
Coding change: c.6307G>A on transcript NM_000038.6 (MANE Select); coding-DNA position 6307, G replaced by A.
Protein change: p.Ala2103Thr; replaces alanine 2103 with threonine.
Molecular consequence: missense variant.
Genome position (GRCh38, 1-based): chr5:112,841,901, G>A. VCF-style: chr5-112841901-G-A. GRCh37 (hg19) VCF-style: chr5-112177598-G-A.
Other names: c.6307G>A, p.Ala2103Thr (NM_001127510.3, NM_001354895.2); c.6253G>A, p.Ala2085Thr (NM_001127511.3); c.6361G>A, p.Ala2121Thr (NM_001354896.2); c.6337G>A, p.Ala2113Thr (NM_001354897.2); c.6232G>A, p.Ala2078Thr (NM_001354898.2); c.6223G>A, p.Ala2075Thr (NM_001354899.2); c.6184G>A, p.Ala2062Thr (NM_001354900.2); c.6130G>A, p.Ala2044Thr (NM_001354901.2); and 5 more; short protein forms A2044T, A2078T, A2103T, A2113T, A1820T, A2002T, A2121T, A1943T.
Identifiers: ClinVar variation 1046421 (VCV001046421.10), dbSNP rs1766185453, ClinGen allele CA16035145.